The following is an entry in ClinVar:

NM_145207.3(AFG2A):c.1560G>T (p.Glu520Asp)

Gene: AFG2A (AAA ATPase AFG2A; plus strand). Cytogenetic location: 4q28.1.
Variant type: single nucleotide variant.
Coding change: c.1560G>T on transcript NM_145207.3 (MANE Select); coding-DNA position 1560, G replaced by T.
Protein change: p.Glu520Asp; replaces glutamic acid 520 with aspartic acid.
Molecular consequence: missense variant.
Genome position (GRCh38, 1-based): chr4:122,947,334, G>T. VCF-style: chr4-122947334-G-T. GRCh37 (hg19) VCF-style: chr4-123868489-G-T.
Other names: c.1557G>T, p.Glu519Asp (NM_001317799.2, NM_001345856.2); c.1560G>T (NM_145207.2); short protein forms E519D, E520D.
Identifiers: ClinVar variation 1447994 (VCV001447994.6), dbSNP rs1399124170, ClinGen allele CA358108242.

ClinVar aggregate classification (germline): Uncertain significance. Review status: criteria provided, multiple submitters, no conflicts (2 of 4 stars). 2 submissions from 2 submitters: Uncertain significance (2). Last evaluated 2025-12-08.

Conditions:
Inborn genetic diseases. Identifiers: MedGen C0950123, MeSH D030342.
Microcephaly-intellectual disability-sensorineural hearing loss-epilepsy-abnormal muscle tone syndrome (NEDHSB). Also called: NEURODEVELOPMENTAL DISORDER WITH HEARING LOSS, SEIZURES, AND BRAIN ABNORMALITIES. Identifiers: Orphanet 457351, MedGen C4225276, MONDO:0014698, OMIM 616577.

Allele frequency attached by ClinVar (database versions not stated): gnomAD 0.00001; gnomAD exomes below 0.00001; TOPMed 0.00002.
gnomAD v4.1: 2 of 1,613,986 alleles (0.00012%); highest among the groups gnomAD compares: African/African-American, 0.0027%; no homozygotes.

Submissions (2):

Ambry Genetics
Classification: Uncertain significance for Inborn genetic diseases. Last evaluated: 2025-12-08. Review status: criteria provided, single submitter. Criteria: Ambry Variant Classification Scheme 2023. Collection method: clinical testing. Allele origin: germline.

Labcorp Genetics (formerly Invitae), Labcorp
Classification: Uncertain significance for Microcephaly-intellectual disability-sensorineural hearing loss-epilepsy-abnormal muscle tone syndrome. Last evaluated: 2022-02-05. Review status: criteria provided, single submitter. Criteria: Invitae Variant Classification Sherloc (09022015). Collection method: clinical testing. Allele origin: germline.
Comment: This sequence change replaces glutamic acid, which is acidic and polar, with aspartic acid, which is acidic and polar, at codon 520 of the SPATA5 protein (p.Glu520Asp). This variant is not present in population databases (gnomAD no frequency). This variant has not been reported in the literature in individuals affected with SPATA5-related conditions. Advanced modeling of protein sequence and biophysical properties (such as structural, functional, and spatial information, amino acid conservation, physicochemical variation, residue mobility, and thermodynamic stability) performed at Invitae indicates that this missense variant is expected to disrupt SPATA5 protein function. In summary, the available evidence is currently insufficient to determine the role of this variant in disease. Therefore, it has been classified as a Variant of Uncertain Significance.